The following is an entry in ClinVar:

NM_025243.4(SLC19A3):c.979+42G>C

Gene: SLC19A3 (solute carrier family 19 member 3; minus strand). Cytogenetic location: 2q36.3.
Variant type: single nucleotide variant.
Coding change: c.979+42G>C on transcript NM_025243.4 (MANE Select); 42 bases into the intron after coding-DNA position 979, G replaced by C.
Molecular consequence: intron variant.
Genome position (GRCh38, 1-based): chr2:227,698,694, C>G on the plus strand (G>C on the coding strand, the complement: SLC19A3 is on the minus strand). VCF-style: chr2-227698694-C-G. GRCh37 (hg19) VCF-style: chr2-228563410-C-G.
Identifiers: ClinVar variation 673705 (VCV000673705.2), dbSNP rs79612836, ClinGen allele CA2149194.

ClinVar aggregate classification (germline): Benign. Review status: criteria provided, multiple submitters, no conflicts (2 of 4 stars). 2 submissions from 2 submitters: Benign (2). Last evaluated 2018-06-16.

Allele frequency attached by ClinVar (database versions not stated): gnomAD exomes 0.01047; ExAC 0.01268; gnomAD 0.04163 and 0.04495; TOPMed 0.04388; ESP Exome Variant Server 0.04493; 1000 Genomes Project 0.04653; 1000 Genomes Project 30x 0.05231.
gnomAD v4.1: 12,015 of 1,544,630 alleles (0.78%); highest among the groups gnomAD compares: African/African-American, 14%; 756 homozygotes.

Submissions (2):

GeneDx
Classification: Benign. Last evaluated: 2018-06-16. Review status: criteria provided, single submitter. Criteria: GeneDx Variant Classification (06012015). Collection method: clinical testing. Allele origin: germline. Affected: yes.
Comment: This variant is considered likely benign or benign based on one or more of the following criteria: it is a conservative change, it occurs at a poorly conserved position in the protein, it is predicted to be benign by multiple in silico algorithms, and/or has population frequency not consistent with disease.

Breakthrough Genomics
Classification: Benign. Review status: criteria provided, single submitter. Criteria: ACMG Guidelines, 2015. Collection method: not provided. Allele origin: germline. Inheritance: Autosomal recessive inheritance. Affected: yes.